The following is an entry in ClinVar:

NM_000090.4(COL3A1):c.528+12T>C

Gene: COL3A1 (collagen type III alpha 1 chain; plus strand). Cytogenetic location: 2q32.2.
Variant type: single nucleotide variant.
Coding change: c.528+12T>C on transcript NM_000090.4 (MANE Select); 12 bases into the intron after coding-DNA position 528, T replaced by C.
Molecular consequence: intron variant.
Genome position (GRCh38, 1-based): chr2:188,987,151, T>C. VCF-style: chr2-188987151-T-C. GRCh37 (hg19) VCF-style: chr2-189851877-T-C.
Identifiers: ClinVar variation 388541 (VCV000388541.4), dbSNP rs1057523141, ClinGen allele CA16604270.

ClinVar aggregate classification (germline): Likely benign. Review status: criteria provided, multiple submitters, no conflicts (2 of 4 stars). 4 submissions from 4 submitters: Likely benign (4). Last evaluated 2024-12-23.

Conditions:
Ehlers-Danlos syndrome, type 4 (EDSVASC). Also called: Ehlers-Danlos Syndrome Type IV; Ehlers-Danlos syndrome vascular type; Ehlers Danlos syndrome, ecchymotic type; Ehlers Danlos syndrome, arterial type; Ehlers Danlos syndrome, Sack-Barabas type. Identifiers: Orphanet 286, MedGen C0268338, MONDO:0017314, OMIM 130050.
Connective tissue disorder. Also called: Connective tissue disease. Identifiers: MedGen C0009782, MONDO:0003900.

Allele frequency attached by ClinVar (database versions not stated): gnomAD exomes below 0.00001.
gnomAD v4.1: 3 of 1,605,136 alleles (0.00019%); highest among the groups gnomAD compares: Non-Finnish European, 0.00026%; no homozygotes.

Submissions (4):

Women's Health and Genetics/Laboratory Corporation of America, LabCorp
Classification: Likely benign. Last evaluated: 2024-12-23. Review status: criteria provided, single submitter. Criteria: LabCorp Variant Classification Summary - May 2015. Collection method: clinical testing. Allele origin: germline.

Labcorp Genetics (formerly Invitae), Labcorp
Classification: Likely benign for Ehlers-Danlos syndrome, type 4. Last evaluated: 2024-10-03. Review status: criteria provided, single submitter. Criteria: Invitae Variant Classification Sherloc (09022015). Collection method: clinical testing. Allele origin: germline.

Center for Human Genetics, Inc
Classification: Likely benign for Connective tissue disorder. Last evaluated: 2016-11-01. Review status: criteria provided, single submitter. Criteria: ACMG Guidelines, 2015. Collection method: clinical testing. Allele origin: germline. Affected: yes.

GeneDx
Classification: Likely benign. Last evaluated: 2016-08-31. Review status: criteria provided, single submitter. Criteria: GeneDx Variant Classification (06012015). Collection method: clinical testing. Allele origin: germline. Affected: yes.
Comment: This variant is considered likely benign or benign based on one or more of the following criteria: it is a conservative change, it occurs at a poorly conserved position in the protein, it is predicted to be benign by multiple in silico algorithms, and/or has population frequency not consistent with disease.